The following is an entry in ClinVar:

ClinVar aggregate classification (germline): Conflicting classifications of pathogenicity. Review status: criteria provided, conflicting classifications (1 of 4 stars). 4 submissions from 4 submitters: Uncertain significance (1); Benign (1); Likely benign (2). Last evaluated 2026-04-07.

Conditions:
Hereditary cancer-predisposing syndrome. Also called: Hereditary Cancer Syndrome; Neoplastic Syndromes, Hereditary; Tumor predisposition; Hereditary neoplastic syndrome. Identifiers: Orphanet 140162, MedGen C0027672, MeSH D009386, MONDO:0015356.
Familial adenomatous polyposis 1 (FAP1). Also called: FAMILIAL ADENOMATOUS POLYPOSIS 1, ATTENUATED; POLYPOSIS, ADENOMATOUS INTESTINAL. Identifiers: MedGen C2713442, MONDO:0021056, OMIM 175100. Disease mechanism: loss of function.

Submissions (4):

Ambry Genetics
Classification: Uncertain significance for Hereditary cancer-predisposing syndrome. Last evaluated: 2026-04-07. Review status: criteria provided, single submitter. Criteria: Ambry Variant Classification Scheme 2023. Collection method: clinical testing. Allele origin: germline.
Comment: The c.4966_4967delTCinsAG variant, located in coding exon 15 of the APC gene, results from an in-frame deletion of TC and insertion of AG at nucleotide positions 4966 to 4967. This nucleotide substitution does not change the serine at codon 1656. This amino acid position is highly conserved in available vertebrate species. In silico splice site analysis predicts that this alteration will not have any significant effect on splicing. Based on the available evidence, the clinical significance of this variant remains unclear.

Labcorp Genetics (formerly Invitae), Labcorp
Classification: Likely benign for Familial adenomatous polyposis 1. Last evaluated: 2025-05-21. Review status: criteria provided, single submitter. Criteria: Invitae Variant Classification Sherloc (09022015). Collection method: clinical testing. Allele origin: germline.

Myriad Genetics, Inc.
Classification: Benign for Familial adenomatous polyposis 1. Last evaluated: 2024-03-28. Review status: criteria provided, single submitter. Criteria: Myriad Autosomal Dominant, Autosomal Recessive and X-Linked Classification Criteria (2023). Collection method: clinical testing. Allele origin: unknown.
Comment: This variant is considered benign. This variant is a silent/synonymous amino acid change and it is not expected to impact splicing.

Color Diagnostics, LLC DBA Color Health
Classification: Likely benign for Hereditary cancer-predisposing syndrome. Last evaluated: 2018-05-01. Review status: criteria provided, single submitter. Criteria: ACMG Guidelines, 2015. Collection method: clinical testing. Allele origin: germline.

NM_000038.6(APC):c.4966_4967delinsAG (p.Ser1656=)

Gene: APC (APC regulator of Wnt signaling pathway; plus strand). Cytogenetic location: 5q22.2.
Variant type: Indel.
Coding change: c.4966_4967delinsAG on transcript NM_000038.6 (MANE Select); coding-DNA positions 4966 to 4967, TC replaced by AG.
Protein change: p.Ser1656=; no amino-acid change (serine 1656 retained).
Molecular consequence: synonymous variant.
Genome position (GRCh38, 1-based): chr5:112,840,560-112,840,561, TC replaced by AG. VCF-style: chr5-112840560-TC-AG. GRCh37 (hg19) VCF-style: chr5-112176257-TC-AG.
Other names: c.4966_4967delTCinsAG (NM_000038.5); c.4966_4967delinsAG, p.Ser1656= (NM_001127510.3, NM_001354895.2); c.4912_4913delinsAG, p.Ser1638= (NM_001127511.3); c.5020_5021delinsAG, p.Ser1674= (NM_001354896.2); c.4996_4997delinsAG, p.Ser1666= (NM_001354897.2); c.4891_4892delinsAG, p.Ser1631= (NM_001354898.2); c.4882_4883delinsAG, p.Ser1628= (NM_001354899.2); c.4843_4844delinsAG, p.Ser1615= (NM_001354900.2); and 6 more.
Identifiers: ClinVar variation 918747 (VCV000918747.14), dbSNP rs1765815215, ClinGen allele CA913188208.